The following is an entry in ClinVar:

NM_001009944.3(PKD1):c.710C>T (p.Pro237Leu)

Gene: PKD1 (polycystin 1, transient receptor potential channel interacting; minus strand). Cytogenetic location: 16p13.3.
Variant type: single nucleotide variant.
Coding change: c.710C>T on transcript NM_001009944.3 (MANE Select); coding-DNA position 710, C replaced by T.
Protein change: p.Pro237Leu; replaces proline 237 with leucine.
Molecular consequence: missense variant.
Genome position (GRCh38, 1-based): chr16:2,118,282, G>A on the plus strand (C>T on the coding strand, the complement: PKD1 is on the minus strand). VCF-style: chr16-2118282-G-A. GRCh37 (hg19) VCF-style: chr16-2168283-G-A.
Other names: c.710C>T, p.Pro237Leu (NM_000296.4); short protein forms P237L.
Identifiers: ClinVar variation 2551696 (VCV002551696.3), dbSNP rs1394714414, ClinGen allele CA394394492.

ClinVar aggregate classification (germline): Uncertain significance. Review status: criteria provided, multiple submitters, no conflicts (2 of 4 stars). 2 submissions from 2 submitters: Uncertain significance (2). Last evaluated 2024-09-20.

Conditions:
Inborn genetic diseases. Identifiers: MedGen C0950123, MeSH D030342.

Allele frequency attached by ClinVar (database versions not stated): TOPMed 0.00001; gnomAD exomes 0.00002.
gnomAD v4.1: 26 of 1,531,576 alleles (0.0017%); highest among the groups gnomAD compares: Middle Eastern, 0.023%; no homozygotes.

Submissions (2):

GeneDx
Classification: Uncertain significance. Last evaluated: 2024-09-20. Review status: criteria provided, single submitter. Criteria: GeneDx Variant Classification Process June 2021. Collection method: clinical testing. Allele origin: germline. Affected: yes.
Comment: Not observed at significant frequency in large population cohorts (gnomAD); In silico analysis indicates that this missense variant does not alter protein structure/function; Has not been previously published as pathogenic or benign to our knowledge

Ambry Genetics
Classification: Uncertain significance for Inborn genetic diseases. Last evaluated: 2023-05-24. Review status: criteria provided, single submitter. Criteria: Ambry Variant Classification Scheme 2023. Collection method: clinical testing. Allele origin: germline.